The following is an entry in ClinVar:

ClinVar aggregate classification (germline): Likely benign (0 of 4 stars; one submission).

Conditions:
MC3R-related disorder. Also called: MC3R-related condition.

gnomAD v4.1: 3 of 1,614,036 alleles (0.00019%); highest among the groups gnomAD compares: Admixed American, 0.005%; no homozygotes.

Submission:

PreventionGenetics, part of Exact Sciences
Classification: Likely benign for MC3R-related condition. Last evaluated: 2024-07-19. Review status: no assertion criteria provided. Collection method: clinical testing. Allele origin: germline.
Comment: This variant is classified as likely benign based on ACMG/AMP sequence variant interpretation guidelines (Richards et al. 2015 PMID: 25741868, with internal and published modifications).

NM_019888.3(MC3R):c.639T>C (p.Phe213=)

Gene: MC3R (melanocortin 3 receptor; plus strand). Cytogenetic location: 20q13.2.
Variant type: single nucleotide variant.
Coding change: c.639T>C on transcript NM_019888.3 (MANE Select); coding-DNA position 639, T replaced by C.
Protein change: p.Phe213=; no amino-acid change (phenylalanine 213 retained).
Molecular consequence: synonymous variant.
Genome position (GRCh38, 1-based): chr20:56,249,482, T>C. VCF-style: chr20-56249482-T-C. GRCh37 (hg19) VCF-style: chr20-54824538-T-C.
Identifiers: ClinVar variation 3351614 (VCV003351614.1).
Genomic context (GRCh38, chr20:56,249,482, plus strand): 5'-CACCATGTTCTTCGCCATGATGCTCCTCATGGGCACCCTCTACGTGCACATGTTCCTCTT[T>C]GCGCGGCTGCACGTCAAGCGCATAGCAGCACTGCCACCTGCCGACGGGGTGGCCCCACAG-3'
Protein context (NP_063941.3, residues 203-223): MGTLYVHMFL[Phe213=]ARLHVKRIAA